The following is an entry in ClinVar:

ClinVar aggregate classification (germline): Uncertain significance. Review status: criteria provided, multiple submitters, no conflicts (2 of 4 stars). 6 submissions from 5 submitters: Uncertain significance (6). Last evaluated 2025-03-20.

Conditions:
Supravalvar aortic stenosis (SVAS). Also called: Supravalvar aortic stenosis, Eisenberg type. Identifiers: Orphanet 3193, MedGen C0003499, MONDO:0008504, OMIM 185500, HP:0004381.
Cutis laxa, autosomal dominant 1 (ADCL1). Also called: ELN-Related Cutis Laxa. Identifiers: Orphanet 90348, MedGen C3276539, MONDO:0007411, OMIM 123700. Disease mechanism: Dominant Negative.

Allele frequency attached by ClinVar (database versions not stated): ExAC 0.00001; gnomAD 0.00001; gnomAD exomes 0.00001 and 0.00002; TOPMed 0.00001; ESP Exome Variant Server 0.00008.
gnomAD v4.1: 37 of 1,613,914 alleles (0.0023%); highest among the groups gnomAD compares: Middle Eastern, 0.51%; 1 homozygote.

Submissions (6):

Labcorp Genetics (formerly Invitae), Labcorp
Classification: Uncertain significance for Supravalvar aortic stenosis. Last evaluated: 2025-03-20. Review status: criteria provided, single submitter. Criteria: Invitae Variant Classification Sherloc (09022015). Collection method: clinical testing. Allele origin: germline.
Comment: This sequence change replaces alanine, which is neutral and non-polar, with serine, which is neutral and polar, at codon 565 of the ELN protein (p.Ala565Ser). This variant is present in population databases (rs374253638, gnomAD 0.003%). This missense change has been observed in individual(s) with Takayasu’s arteritis (PMID: 26483232). ClinVar contains an entry for this variant (Variation ID: 667232). Invitae Evidence Modeling of protein sequence and biophysical properties (such as structural, functional, and spatial information, amino acid conservation, physicochemical variation, residue mobility, and thermodynamic stability) indicates that this missense variant is not expected to disrupt ELN protein function with a negative predictive value of 80%. In summary, the available evidence is currently insufficient to determine the role of this variant in disease. Therefore, it has been classified as a Variant of Uncertain Significance.

GeneDx
Classification: Uncertain significance. Last evaluated: 2022-11-28. Review status: criteria provided, single submitter. Criteria: GeneDx Variant Classification Process June 2021. Collection method: clinical testing. Allele origin: germline. Affected: yes.
Comment: Has been reported using alternate nomenclature (c.1693 G>T; R565S) in an individual with supravalvular aortic stenosis who carried the clinical diagnosis of Takayasu's arteritis (Warejko et al., 2018); Not observed at significant frequency in large population cohorts (gnomAD); In silico analysis supports that this missense variant does not alter protein structure/function; This variant is associated with the following publications: (PMID: 29483232, 26483232)

Laboratory for Molecular Medicine, Mass General Brigham Personalized Medicine
Classification: Uncertain significance. Last evaluated: 2018-07-03. Review status: criteria provided, single submitter. Criteria: LMM Criteria. Collection method: clinical testing. Allele origin: germline. Observed: 1 variant allele.
Comment: The p.Ala536Ser variant in ELN has not been previously reported in individuals w ith pulmonary disease but has been identified in 1/5484 chromosomes of various p opulations by the Genome Aggregation Database (gnomAD; dbSNP rs374253638). Computational prediction tools and conservation ana lysis suggest that the p.Ala536Ser variant may impact the protein, though this i nformation is not predictive enough to determine pathogenicity. In summary, the clinical significance of the p.Ala536Ser variant is uncertain. ACMG/AMP Criteria applied: PP3.

Illumina Laboratory Services, Illumina
Classification: Uncertain significance for Cutis laxa, autosomal dominant 1. Last evaluated: 2018-01-12. Review status: criteria provided, single submitter. Criteria: ICSL Variant Classification Criteria 13 December 2019. Collection method: clinical testing. Allele origin: germline.

Illumina Laboratory Services, Illumina
Classification: Uncertain significance for Supravalvar aortic stenosis. Last evaluated: 2018-01-12. Review status: criteria provided, single submitter. Criteria: ICSL Variant Classification Criteria 13 December 2019. Collection method: clinical testing. Allele origin: germline.

Breakthrough Genomics
Classification: Uncertain significance. Review status: criteria provided, single submitter. Criteria: ACMG Guidelines, 2015. Collection method: not provided. Allele origin: germline. Inheritance: Autosomal dominant inheritance. Affected: yes.

Literature cited by the submitters: PubMed 26483232 (cited by Labcorp Genetics (formerly Invitae), Labcorp).

NM_000501.4(ELN):c.1606G>T (p.Ala536Ser)

Genes: ELN (elastin; plus strand), ELN-AS1 (ELN antisense RNA 1; minus strand). Cytogenetic location: 7q11.23.
Variant type: single nucleotide variant.
Coding change: c.1606G>T on transcript NM_000501.4 (MANE Select); coding-DNA position 1606, G replaced by T.
Protein change: p.Ala536Ser; replaces alanine 536 with serine.
Molecular consequence: missense variant. On other transcripts: intron variant (1).
Genome position (GRCh38, 1-based): chr7:74,060,169, G>T. VCF-style: chr7-74060169-G-T. GRCh37 (hg19) VCF-style: chr7-73474499-G-T.
Other names: c.1549G>T, p.Ala517Ser (NM_001081755.3); c.1606G>T, p.Ala536Ser (NM_001278912.2); c.1576G>T, p.Ala526Ser (NM_001278917.2); c.1363G>T, p.Ala455Ser (NM_001278913.2); c.1534G>T, p.Ala512Ser (NM_001278914.2); c.1624G>T, p.Ala542Ser (NM_001278915.2); c.1339G>T, p.Ala447Ser (NM_001278918.2); c.1693G>T, p.Ala565Ser (NM_001278939.2); and 4 more; short protein forms A447S, A507S, A517S, A565S, A526S, A536S, A542S, A455S.
Identifiers: ClinVar variation 667232 (VCV000667232.15), dbSNP rs374253638, ClinGen allele CA4293129.